The following is an entry in ClinVar:

NM_181882.3(PRX):c.2468C>T (p.Ala823Val)

Gene: PRX (periaxin; minus strand). Cytogenetic location: 19q13.2.
Variant type: single nucleotide variant.
Coding change: c.2468C>T on transcript NM_181882.3 (MANE Select); coding-DNA position 2468, C replaced by T.
Protein change: p.Ala823Val; replaces alanine 823 with valine.
Molecular consequence: missense variant. On other transcripts: 3 prime UTR variant (1).
Genome position (GRCh38, 1-based): chr19:40,395,884, G>A on the plus strand (C>T on the coding strand, the complement: PRX is on the minus strand). VCF-style: chr19-40395884-G-A. GRCh37 (hg19) VCF-style: chr19-40901791-G-A.
Other names: c.*2673C>T (NM_020956.2); short protein forms A823V.
Identifiers: ClinVar variation 1356055 (VCV001356055.7), dbSNP rs780212559, ClinGen allele CA9444048.

ClinVar aggregate classification (germline): Uncertain significance. Review status: criteria provided, multiple submitters, no conflicts (2 of 4 stars). 2 submissions from 2 submitters: Uncertain significance (2). Last evaluated 2021-08-31.

Conditions:
Inborn genetic diseases. Identifiers: MedGen C0950123, MeSH D030342.
Charcot-Marie-Tooth disease type 4. Also called: Charcot-Marie-Tooth, Type 4; Charcot-Marie-Tooth disease, type IV. Identifiers: Orphanet 64749, MedGen C4082197, MONDO:0018995.

Allele frequency attached by ClinVar (database versions not stated): ExAC 0.00002; TOPMed 0.00002; gnomAD 0.00004 and 0.00005.

Submissions (2):

Labcorp Genetics (formerly Invitae), Labcorp
Classification: Uncertain significance for Charcot-Marie-Tooth disease type 4. Last evaluated: 2021-08-31. Review status: criteria provided, single submitter. Criteria: Invitae Variant Classification Sherloc (09022015). Collection method: clinical testing. Allele origin: germline.
Comment: This sequence change replaces alanine with valine at codon 823 of the PRX protein (p.Ala823Val). The alanine residue is highly conserved and there is a small physicochemical difference between alanine and valine. This variant is present in population databases (rs780212559, ExAC 0.02%). This variant has not been reported in the literature in individuals affected with PRX-related conditions. Algorithms developed to predict the effect of missense changes on protein structure and function output the following: SIFT: "Tolerated"; PolyPhen-2: "Possibly Damaging"; Align-GVGD: "Class C0". The valine amino acid residue is found in multiple mammalian species, which suggests that this missense change does not adversely affect protein function. Algorithms developed to predict the effect of sequence changes on RNA splicing suggest that this variant may create or strengthen a splice site. In summary, the available evidence is currently insufficient to determine the role of this variant in disease. Therefore, it has been classified as a Variant of Uncertain Significance.

Ambry Genetics
Classification: Uncertain significance for Inborn genetic diseases. Last evaluated: 2020-12-15. Review status: criteria provided, single submitter. Criteria: Ambry Variant Classification Scheme 2023. Collection method: clinical testing. Allele origin: germline.
Comment: The p.A823V variant (also known as c.2468C>T), located in coding exon 4 of the PRX gene, results from a C to T substitution at nucleotide position 2468. The alanine at codon 823 is replaced by valine, an amino acid with similar properties. This amino acid position is not well conserved in available vertebrate species, and valine is the reference amino acid in other vertebrate species. In addition, this alteration is predicted to be tolerated by in silico analysis. Since supporting evidence is limited at this time, the clinical significance of this alteration remains unclear.